The following is an entry in ClinVar:

ClinVar aggregate classification (germline): Uncertain significance. Review status: criteria provided, multiple submitters, no conflicts (2 of 4 stars). 2 submissions from 2 submitters: Uncertain significance (2). Last evaluated 2026-09-21.

Conditions:
Cohen syndrome (COH1). Also called: PEPPER SYNDROME; Cutis verticis gyrata, retinitis pigmentosa, and sensorineural deafness. Identifiers: Orphanet 193, MedGen C0265223, MONDO:0008999, OMIM 216550.
VPS13B-related disorder. Also called: VPS13B-related condition.

Submissions (2):

PreventionGenetics, part of Exact Sciences
Classification: Uncertain significance for VPS13B-related condition. Last evaluated: 2026-09-21. Review status: criteria provided, single submitter. Criteria: ACMG Guidelines, 2015. Collection method: clinical testing. Allele origin: germline.
Comment: The VPS13B c.4946_4947delinsAA variant is predicted to result in an in-frame deletion and insertion. To our knowledge, this variant has not been reported in the literature or in a large population database (gnomAD), indicating this variant is rare. At this time, the clinical significance of this variant is uncertain due to the absence of conclusive functional and genetic evidence.

Labcorp Genetics (formerly Invitae), Labcorp
Classification: Uncertain significance for Cohen syndrome. Last evaluated: 2022-03-10. Review status: criteria provided, single submitter. Criteria: Invitae Variant Classification Sherloc (09022015). Collection method: clinical testing. Allele origin: germline.
Comment: This sequence change replaces serine, which is neutral and polar, with lysine, which is basic and polar, at codon 1674 of the VPS13B protein (p.Ser1674Lys). This variant is present in population databases (no rsID available, gnomAD 0.3%). This variant has not been reported in the literature in individuals affected with VPS13B-related conditions. ClinVar contains an entry for this variant (Variation ID: 963380). Algorithms developed to predict the effect of missense changes on protein structure and function are either unavailable or do not agree on the potential impact of this missense change (SIFT: "Not Available"; PolyPhen-2: "Possibly Damaging"; Align-GVGD: "Not Available"). In summary, the available evidence is currently insufficient to determine the role of this variant in disease. Therefore, it has been classified as a Variant of Uncertain Significance.

NM_152564.5(VPS13B):c.4946_4947delinsAA (p.Ser1649Lys)

Gene: VPS13B (vacuolar protein sorting 13 homolog B; plus strand). Cytogenetic location: 8q22.2.
Variant type: Indel.
Coding change: c.4946_4947delinsAA on transcript NM_152564.5 (MANE Select); coding-DNA positions 4946 to 4947, GC replaced by AA.
Protein change: p.Ser1649Lys; replaces serine 1649 with lysine.
Molecular consequence: missense variant.
Genome position (GRCh38, 1-based): chr8:99,556,650-99,556,651, GC replaced by AA. VCF-style: chr8-99556650-GC-AA. GRCh37 (hg19) VCF-style: chr8-100568878-GC-AA.
Other names: c.4946_4947delinsAA (NM_152564.4); c.5021_5022delinsAA, p.Ser1674Lys (NM_017890.5); short protein forms S1649K, S1674K.
Identifiers: ClinVar variation 963380 (VCV000963380.8), dbSNP rs1824583703, ClinGen allele CA1139660670.